The following is an entry in ClinVar:

ClinVar aggregate classification (germline): Uncertain significance (1 of 4 stars; one submission).

Submission:

Women's Health and Genetics/Laboratory Corporation of America, LabCorp
Classification: Uncertain significance. Last evaluated: 2025-06-10. Review status: criteria provided, single submitter. Criteria: LabCorp Variant Classification Summary - May 2015. Collection method: clinical testing. Allele origin: germline.
Comment: Variant summary: KMT2A c.11405A>C (p.Glu3802Ala) results in a non-conservative amino acid change in the encoded protein sequence. Algorithms developed to predict the effect of missense changes on protein structure and function all suggest that this variant is likely to be disruptive. The variant was absent in 250712 control chromosomes (gnomAD). The available data on variant occurrences in the general population are insufficient to allow any conclusion about variant significance. To our knowledge, no occurrence of c.11405A>C in individuals affected with Wiedemann-Steiner Syndrome and no experimental evidence demonstrating its impact on protein function have been reported. No submitters have cited clinical-significance assessments for this variant to ClinVar. Based on the evidence outlined above, the variant was classified as uncertain significance.

NM_001197104.2(KMT2A):c.11405A>C (p.Glu3802Ala)

Genes: KMT2A (lysine methyltransferase 2A; plus strand), TTC36-AS1 (TTC36 and KMT2A antisense RNA 1; minus strand). Cytogenetic location: 11q23.3.
Variant type: single nucleotide variant.
Coding change: c.11405A>C on transcript NM_001197104.2 (MANE Select); coding-DNA position 11405, A replaced by C.
Protein change: p.Glu3802Ala; replaces glutamic acid 3802 with alanine.
Molecular consequence: missense variant.
Genome position (GRCh38, 1-based): chr11:118,520,040, A>C. VCF-style: chr11-118520040-A-C. GRCh37 (hg19) VCF-style: chr11-118390755-A-C.
Other names: c.11495A>C, p.Glu3832Ala (NM_001412597.1); c.11396A>C, p.Glu3799Ala (NM_005933.4); short protein forms E3799A, E3802A, E3832A.
Identifiers: ClinVar variation 3907240 (VCV003907240.1).